The following is an entry in ClinVar:

ClinVar aggregate classification (germline): Uncertain significance (1 of 4 stars; one submission).

gnomAD v4.1: 39 of 1,613,428 alleles (0.0024%); highest among the groups gnomAD compares: Admixed American, 0.065%; no homozygotes.

Submission:

GeneDx
Classification: Uncertain significance. Last evaluated: 2025-08-06. Review status: criteria provided, single submitter. Criteria: GeneDx Variant Classification Process June 2021. Collection method: clinical testing. Allele origin: germline. Affected: yes.
Comment: In silico analysis suggests that this missense variant does not alter protein structure/function; Has not been previously published as pathogenic or benign to our knowledge

NM_001271938.2(MEGF8):c.5584G>A (p.Val1862Met)

Gene: MEGF8 (multiple EGF like domains 8; plus strand). Cytogenetic location: 19q13.2.
Variant type: single nucleotide variant.
Coding change: c.5584G>A on transcript NM_001271938.2 (MANE Select); coding-DNA position 5584, G replaced by A.
Protein change: p.Val1862Met; replaces valine 1862 with methionine.
Molecular consequence: missense variant.
Genome position (GRCh38, 1-based): chr19:42,360,870, G>A. VCF-style: chr19-42360870-G-A. GRCh37 (hg19) VCF-style: chr19-42865022-G-A.
Other names: c.5383G>A, p.Val1795Met (NM_001410.3); short protein forms V1795M, V1862M.
Identifiers: ClinVar variation 4756078 (VCV004756078.1).